The following is an entry in ClinVar:

ClinVar aggregate classification (germline): Uncertain significance. Review status: criteria provided, multiple submitters, no conflicts (2 of 4 stars). 5 submissions from 5 submitters: Uncertain significance (4). 1 of the submissions does not count toward it. Last evaluated 2025-04-20.

Conditions:
Inborn genetic diseases. Identifiers: MedGen C0950123, MeSH D030342.
Wilson disease (WND). Also called: Wilson's disease. Identifiers: Orphanet 905, MedGen C0019202, MONDO:0010200, OMIM 277900. Disease mechanism: loss of function.

Allele frequency attached by ClinVar (database versions not stated): gnomAD exomes 0.00001 and 0.00003; gnomAD 0.00002 and 0.00003; ExAC 0.00003; TOPMed 0.00003.
gnomAD v4.1: 10 of 1,614,048 alleles (0.00062%); highest among the groups gnomAD compares: Admixed American, 0.017%; no homozygotes.

Submissions (5):

Ambry Genetics
Classification: Uncertain significance for Inborn genetic diseases. Last evaluated: 2025-04-20. Review status: criteria provided, single submitter. Criteria: Ambry Variant Classification Scheme 2023. Collection method: clinical testing. Allele origin: germline.
Comment: The p.Q289P variant (also known as c.866A>C), located in coding exon 2 of the ATP7B gene, results from an A to C substitution at nucleotide position 866. The glutamine at codon 289 is replaced by proline, an amino acid with similar properties. This amino acid position is conserved. In addition, the in silico prediction for this alteration is inconclusive. Based on the available evidence, the clinical significance of this variant remains unclear.

All of Us Research Program, National Institutes of Health
Classification: Uncertain significance for Wilson disease. Last evaluated: 2024-08-06. Review status: criteria provided, single submitter. Criteria: ACMG Guidelines, 2015. Collection method: clinical testing. Allele origin: germline. Inheritance: Autosomal recessive inheritance. Observed: 21 variant alleles, 20 heterozygotes, 1 homozygote.
Comment: This missense variant replaces glutamine with proline at codon 289 of the ATP7B protein. Computational prediction is inconclusive regarding the impact of this variant on protein structure and function (internally defined REVEL score threshold 0.5 < inconclusive < 0.7, PMID: 27666373). To our knowledge, functional studies have not been reported for this variant. This variant has not been reported in individuals affected with ATP7B-related disorders in the literature. This variant has been identified in 7/248114 chromosomes in the general population by the Genome Aggregation Database (gnomAD). The available evidence is insufficient to determine the role of this variant in disease conclusively. Therefore, this variant is classified as a Variant of Uncertain Significance.

This study involves interpretation of variants in research participants for the purpose of population health screening. Participant phenotype was not available at the time of variant classification. Additional details can be found in publication PMID: 35346344, PMCID: PMC8962531

Color Diagnostics, LLC DBA Color Health
Classification: Uncertain significance for Wilson disease. Last evaluated: 2024-03-06. Review status: criteria provided, single submitter. Criteria: ACMG Guidelines, 2015. Collection method: clinical testing. Allele origin: germline.
Comment: This missense variant replaces glutamine with proline at codon 289 of the ATP7B protein. Computational prediction is inconclusive regarding the impact of this variant on protein structure and function. To our knowledge, functional studies have not been reported for this variant. This variant has not been reported in individuals affected with ATP7B-related disorders in the literature. This variant has been identified in 7/248114 chromosomes in the general population by the Genome Aggregation Database (gnomAD). The available evidence is insufficient to determine the role of this variant in disease conclusively. Therefore, this variant is classified as a Variant of Uncertain Significance.

Labcorp Genetics (formerly Invitae), Labcorp
Classification: Uncertain significance for Wilson disease. Last evaluated: 2022-05-04. Review status: criteria provided, single submitter. Criteria: Invitae Variant Classification Sherloc (09022015). Collection method: clinical testing. Allele origin: germline.
Comment: This sequence change replaces glutamine, which is neutral and polar, with proline, which is neutral and non-polar, at codon 289 of the ATP7B protein (p.Gln289Pro). This variant is present in population databases (rs751053970, gnomAD 0.02%). This variant has not been reported in the literature in individuals affected with ATP7B-related conditions. ClinVar contains an entry for this variant (Variation ID: 1036254). Advanced modeling of protein sequence and biophysical properties (such as structural, functional, and spatial information, amino acid conservation, physicochemical variation, residue mobility, and thermodynamic stability) performed at Invitae indicates that this missense variant is not expected to disrupt ATP7B protein function. In summary, the available evidence is currently insufficient to determine the role of this variant in disease. Therefore, it has been classified as a Variant of Uncertain Significance.

Natera, Inc.
Classification: Uncertain significance for Wilson disease. Last evaluated: 2019-11-11. Review status: no assertion criteria provided. Collection method: clinical testing. Allele origin: germline. Not counted in ClinVar's aggregate classification.

NM_000053.4(ATP7B):c.866A>C (p.Gln289Pro)

Gene: ATP7B (ATPase copper transporting beta; minus strand). Cytogenetic location: 13q14.3.
Variant type: single nucleotide variant.
Coding change: c.866A>C on transcript NM_000053.4 (MANE Select); coding-DNA position 866, A replaced by C.
Protein change: p.Gln289Pro; replaces glutamine 289 with proline.
Molecular consequence: missense variant. On other transcripts: intron variant (1).
Genome position (GRCh38, 1-based): chr13:51,974,354, T>G on the plus strand (A>C on the coding strand, the complement: ATP7B is on the minus strand). VCF-style: chr13-51974354-T-G. GRCh37 (hg19) VCF-style: chr13-52548490-T-G.
Other names: c.866A>C (NM_000053.3); c.866A>C, p.Gln289Pro (NM_001005918.3, NM_001330578.2, NM_001330579.2); c.802+64A>C (NM_001243182.2); short protein forms Q289P.
Identifiers: ClinVar variation 1036254 (VCV001036254.10), dbSNP rs751053970, ClinGen allele CA6989485.